The following is an entry in ClinVar:

ClinVar aggregate classification (germline): Uncertain significance. Review status: criteria provided, multiple submitters, no conflicts (2 of 4 stars). 2 submissions from 2 submitters: Uncertain significance (2). Last evaluated 2025-01-26.

Conditions:
Inborn genetic diseases. Identifiers: MedGen C0950123, MeSH D030342.
Autosomal recessive severe congenital neutropenia due to G6PC3 deficiency. Also called: NEUTROPENIA, SEVERE CONGENITAL, 4, AUTOSOMAL RECESSIVE; G6PC3 Deficiency. Identifiers: Orphanet 331176, MedGen C2751630, MONDO:0012930, OMIM 612541.

Allele frequency attached by ClinVar (database versions not stated): TOPMed 0.00002; ExAC 0.00003.
gnomAD v4.1: 4 of 1,613,100 alleles (0.00025%); highest among the groups gnomAD compares: East Asian, 0.0067%; no homozygotes.

Submissions (2):

Ambry Genetics
Classification: Uncertain significance for Inborn genetic diseases. Last evaluated: 2025-01-26. Review status: criteria provided, single submitter. Criteria: Ambry Variant Classification Scheme 2023. Collection method: clinical testing. Allele origin: germline.
Comment: The p.S307N variant (also known as c.920G>A), located in coding exon 6 of the G6PC3 gene, results from a G to A substitution at nucleotide position 920. The serine at codon 307 is replaced by asparagine, an amino acid with highly similar properties. This amino acid position is conserved. In addition, this alteration is predicted to be tolerated by in silico analysis. Based on the available evidence, the clinical significance of this variant remains unclear.

Center for Genomics, Ann and Robert H. Lurie Children's Hospital of Chicago
Classification: Uncertain significance for Autosomal recessive severe congenital neutropenia due to G6PC3 deficiency. Review status: criteria provided, single submitter. Criteria: ACMG Guidelines, 2015. Collection method: clinical testing. Allele origin: germline.
Comment: This variant has not been reported in the literature but is present in the Genome Aggregation Database (Highest reported MAF 0.02% (4/18394). Evolutionary conservation and computational predictive tools suggest that this variant may not impact the protein. In summary, data on this variant is insufficient for disease classification. Therefore, the clinical significance of this variant is uncertain.

NM_138387.4(G6PC3):c.920G>A (p.Ser307Asn)

Gene: G6PC3 (glucose-6-phosphatase catalytic subunit 3; plus strand). Cytogenetic location: 17q21.31.
Variant type: single nucleotide variant.
Coding change: c.920G>A on transcript NM_138387.4 (MANE Select); coding-DNA position 920, G replaced by A.
Protein change: p.Ser307Asn; replaces serine 307 with asparagine.
Molecular consequence: missense variant. On other transcripts: 3 prime UTR variant (1).
Genome position (GRCh38, 1-based): chr17:44,075,922, G>A. VCF-style: chr17-44075922-G-A. GRCh37 (hg19) VCF-style: chr17-42153290-G-A.
Other names: c.*213G>A (NM_001319945.2); c.575G>A, p.Ser192Asn (NM_001384165.1, NM_001384166.1, NM_001384167.1 and 1 more transcripts); short protein forms S192N, S307N.
Identifiers: ClinVar variation 2500037 (VCV002500037.3), dbSNP rs762579612, ClinGen allele CA8596180.
Genomic context (GRCh38, chr17:44,075,922, plus strand): 5'-TTGTGCTGGCCATGGGGCTGCTGGGCCCCCTGGACTGGCTGGGCCACCCCCCTCAGATCA[G>A]CCTCTTCTACATTTTCAATTTCCTCAAGTACACCCTCTGGCCATGCCTAGTCCTGGCCCT-3'
Protein context (NP_612396.1, residues 297-317): LDWLGHPPQI[Ser307Asn]LFYIFNFLKY